The following is an entry in ClinVar:

ClinVar aggregate classification (germline): Uncertain significance (1 of 4 stars; one submission).

Conditions:
Retinitis pigmentosa 73 (RP73). Identifiers: Orphanet 791, MedGen C4225287, MONDO:0014687, OMIM 616544.
Mucopolysaccharidosis, MPS-III-C (MPS3C). Also called: MPS IIIC (Sanfilippo Syndrome Type C); MUCOPOLYSACCHARIDOSIS, TYPE IIIC; Mucopolysaccharidosis type IIIC (Sanfilippo C); SANFILIPPO SYNDROME C; MPS III C; mucopolysaccharidosis type 3C. Identifiers: Orphanet 581, Orphanet 79271, MedGen C0086649, MONDO:0009657, OMIM 252930.

Submission:

Labcorp Genetics (formerly Invitae), Labcorp
Classification: Uncertain significance for Retinitis pigmentosa 73; Mucopolysaccharidosis, MPS-III-C. Last evaluated: 2022-02-24. Review status: criteria provided, single submitter. Criteria: Invitae Variant Classification Sherloc (09022015). Collection method: clinical testing. Allele origin: germline.
Comment: This variant has not been reported in the literature in individuals affected with HGSNAT-related conditions. Experimental studies and prediction algorithms are not available or were not evaluated, and the functional significance of this variant is currently unknown. This variant is not present in population databases (gnomAD no frequency). This variant, c.43_72del, results in the deletion of 10 amino acid(s) of the HGSNAT protein (p.Ala15_Ala24del), but otherwise preserves the integrity of the reading frame. In summary, the available evidence is currently insufficient to determine the role of this variant in disease. Therefore, it has been classified as a Variant of Uncertain Significance.

NM_152419.3(HGSNAT):c.43_72del (p.Ala15_Ala24del)

Genes: HGSNAT (heparan-alpha-glucosaminide N-acetyltransferase; plus strand), LOC130000316 (ATAC-STARR-seq lymphoblastoid silent region 19164; plus strand). Cytogenetic location: 8p11.21.
Variant type: Deletion.
Coding change: c.43_72del on transcript NM_152419.3 (MANE Select); coding-DNA positions 43 to 72, 30 bases deleted (GCGTCCGTGCTGAGCGCCGCGCTGCTGGCC).
Protein change: p.Ala15_Ala24del.
Molecular consequence: inframe deletion. On other transcripts: 5 prime UTR variant (1).
Genome position (GRCh38, 1-based): chr8:43,140,539-43,140,568, GCGTCCGTGCTGAGCGCCGCGCTGCTGGCC deleted; deleting any 30 consecutive bases within chr8:43,140,529-43,140,568 gives the same sequence; the c. name uses the placement nearest the transcript's 3' end. VCF-style (leftmost placement, unchanged base first): chr8-43140528-TGCTGCTGGCCGCGTCCGTGCTGAGCGCCGC-T. GRCh37 (hg19) VCF-style: chr8-42995671-TGCTGCTGGCCGCGTCCGTGCTGAGCGCCGC-T.
Other names: c.43_72del, p.Ala15_Ala24del (NM_001363227.2, NM_001363228.2); c.-791_-762del (NM_001363229.2).
Identifiers: ClinVar variation 1366495 (VCV001366495.8), dbSNP rs2130647831, ClinGen allele CA2573143097.